The following is an entry in ClinVar:

NM_012144.4(DNAI1):c.230C>T (p.Ala77Val)

Gene: DNAI1 (dynein axonemal intermediate chain 1; plus strand). Cytogenetic location: 9p13.3.
Variant type: single nucleotide variant.
Coding change: c.230C>T on transcript NM_012144.4 (MANE Select); coding-DNA position 230, C replaced by T.
Protein change: p.Ala77Val; replaces alanine 77 with valine.
Molecular consequence: missense variant.
Genome position (GRCh38, 1-based): chr9:34,485,486, C>T. VCF-style: chr9-34485486-C-T. GRCh37 (hg19) VCF-style: chr9-34485484-C-T.
Other names: c.230C>T, p.Ala77Val (NM_001281428.2); short protein forms A77V.
Identifiers: ClinVar variation 2136391 (VCV002136391.1), dbSNP rs369540171, ClinGen allele CA5033978.

ClinVar aggregate classification (germline): Uncertain significance (1 of 4 stars; one submission).

Conditions:
Primary ciliary dyskinesia. Also called: Ciliary dyskinesia. Identifiers: Orphanet 244, MedGen C0008780, MONDO:0016575, HP:0012265.

Allele frequency attached by ClinVar (database versions not stated): ExAC 0.00001; gnomAD 0.00001; gnomAD exomes 0.00003; TOPMed 0.00004; ESP Exome Variant Server 0.00008.
gnomAD v4.1: 51 of 1,614,048 alleles (0.0032%); highest among the groups gnomAD compares: African/African-American, 0.0053%; no homozygotes.

Submission:

Labcorp Genetics (formerly Invitae), Labcorp
Classification: Uncertain significance for Primary ciliary dyskinesia. Last evaluated: 2022-02-24. Review status: criteria provided, single submitter. Criteria: Invitae Variant Classification Sherloc (09022015). Collection method: clinical testing. Allele origin: germline.
Comment: This sequence change replaces alanine, which is neutral and non-polar, with valine, which is neutral and non-polar, at codon 77 of the DNAI1 protein (p.Ala77Val). This variant is present in population databases (rs369540171, gnomAD 0.003%). This variant has not been reported in the literature in individuals affected with DNAI1-related conditions. Algorithms developed to predict the effect of missense changes on protein structure and function are either unavailable or do not agree on the potential impact of this missense change (SIFT: "Tolerated"; PolyPhen-2: "Possibly Damaging"; Align-GVGD: "Class C0"). Algorithms developed to predict the effect of sequence changes on RNA splicing suggest that this variant may create or strengthen a splice site. In summary, the available evidence is currently insufficient to determine the role of this variant in disease. Therefore, it has been classified as a Variant of Uncertain Significance.